The following is an entry in ClinVar:

NM_015425.6(POLR1A):c.4054G>A (p.Glu1352Lys)

Gene: POLR1A (RNA polymerase I subunit A; minus strand). Cytogenetic location: 2p11.2.
Variant type: single nucleotide variant.
Coding change: c.4054G>A on transcript NM_015425.6 (MANE Select); coding-DNA position 4054, G replaced by A.
Protein change: p.Glu1352Lys; replaces glutamic acid 1352 with lysine.
Molecular consequence: missense variant.
Genome position (GRCh38, 1-based): chr2:86,033,768, C>T on the plus strand (G>A on the coding strand, the complement: POLR1A is on the minus strand). VCF-style: chr2-86033768-C-T. GRCh37 (hg19) VCF-style: chr2-86260891-C-T.
Other names: short protein forms E1352K.
Identifiers: ClinVar variation 4744908 (VCV004744908.1).

ClinVar aggregate classification (germline): Uncertain significance (1 of 4 stars; one submission).

Submission:

Labcorp Genetics (formerly Invitae), Labcorp
Classification: Uncertain significance. Last evaluated: 2025-03-19. Review status: criteria provided, single submitter. Criteria: Invitae Variant Classification Sherloc (09022015). Collection method: clinical testing. Allele origin: germline.
Comment: This sequence change replaces glutamic acid, which is acidic and polar, with lysine, which is basic and polar, at codon 1352 of the POLR1A protein (p.Glu1352Lys). This variant is not present in population databases (gnomAD no frequency). This variant has not been reported in the literature in individuals affected with POLR1A-related conditions. Invitae Evidence Modeling of protein sequence and biophysical properties (such as structural, functional, and spatial information, amino acid conservation, physicochemical variation, residue mobility, and thermodynamic stability) indicates that this missense variant is not expected to disrupt POLR1A protein function with a negative predictive value of 80%. In summary, the available evidence is currently insufficient to determine the role of this variant in disease. Therefore, it has been classified as a Variant of Uncertain Significance.